The following is an entry in ClinVar:

ClinVar aggregate classification (germline): Uncertain significance (1 of 4 stars; one submission).

Submission:

Labcorp Genetics (formerly Invitae), Labcorp
Classification: Uncertain significance. Last evaluated: 2022-04-21. Review status: criteria provided, single submitter. Criteria: Invitae Variant Classification Sherloc (09022015). Collection method: clinical testing. Allele origin: germline.
Comment: Algorithms developed to predict the effect of missense changes on protein structure and function are either unavailable or do not agree on the potential impact of this missense change (SIFT: "Deleterious"; PolyPhen-2: "Benign"; Align-GVGD: "Class C0"). In summary, the available evidence is currently insufficient to determine the role of this variant in disease. Therefore, it has been classified as a Variant of Uncertain Significance. This variant has not been reported in the literature in individuals affected with LAMA5-related conditions. This variant is not present in population databases (gnomAD no frequency). This sequence change replaces tryptophan, which is neutral and slightly polar, with arginine, which is basic and polar, at codon 2107 of the LAMA5 protein (p.Trp2107Arg).

NM_005560.6(LAMA5):c.6319T>C (p.Trp2107Arg)

Gene: LAMA5 (laminin subunit alpha 5; minus strand). Cytogenetic location: 20q13.33.
Variant type: single nucleotide variant.
Coding change: c.6319T>C on transcript NM_005560.6 (MANE Select); coding-DNA position 6319, T replaced by C.
Protein change: p.Trp2107Arg; replaces tryptophan 2107 with arginine.
Molecular consequence: missense variant.
Genome position (GRCh38, 1-based): chr20:62,322,296, A>G on the plus strand (T>C on the coding strand, the complement: LAMA5 is on the minus strand). VCF-style: chr20-62322296-A-G. GRCh37 (hg19) VCF-style: chr20-60897352-A-G.
Other names: short protein forms W2107R.
Identifiers: ClinVar variation 1956281 (VCV001956281.5), dbSNP rs2516014187, ClinGen allele CA409558848.
Genomic context (GRCh38, chr20:62,322,296, plus strand): 5'-CCATCCGCCCTCCTGTGACCGGCCAGCACTCACGCCTGCAGCCCTGCTCAGGGAGCCCCC[A>G]GTAGCCAGGGGCACACTCGCGGCACTGGGGTCCCATGGTCCCTGGTCGGCAGTGGCACTG-3'
Protein context (NP_005551.3, residues 2097-2117): PQCRECAPGY[Trp2107Arg]GLPEQGCRRC